The following is an entry in ClinVar:

ClinVar aggregate classification (germline): Uncertain significance (1 of 4 stars; one submission).

Conditions:
Amyotrophic lateral sclerosis type 8 (ALS8). Identifiers: Orphanet 803, MedGen C1837728, MONDO:0012077, OMIM 608627.
Adult-onset proximal spinal muscular atrophy, autosomal dominant. Also called: FINKEL LATE-ADULT TYPE SMA; Spinal muscular atrophy, late-onset, finkel type. Identifiers: Orphanet 209335, MedGen C1854058, MONDO:0008453, OMIM 182980.

Submission:

Labcorp Genetics (formerly Invitae), Labcorp
Classification: Uncertain significance for Adult-onset proximal spinal muscular atrophy, autosomal dominant; Amyotrophic lateral sclerosis type 8. Last evaluated: 2023-06-23. Review status: criteria provided, single submitter. Criteria: Invitae Variant Classification Sherloc (09022015). Collection method: clinical testing. Allele origin: unknown.
Comment: In summary, the available evidence is currently insufficient to determine the role of this variant in disease. Therefore, it has been classified as a Variant of Uncertain Significance. This variant has not been reported in the literature in individuals affected with VAPB-related conditions. This variant results in a copy number gain of the genomic region encompassing exon(s) 4-6 of the VAPB gene. This region includes the termination codon of the gene. This copy number gain extends beyond the assayed region for this gene and therefore may encompass additional genes. As the precise location of this event is unknown, it may be in tandem or it may be located elsewhere in the genome.

NC_000020.10:g.(?_57013981)_(57019291_?)dup

Gene: VAPB (VAMP associated protein B and C; plus strand). Cytogenetic location: 20q13.32.
Variant type: Duplication.
Identifiers: ClinVar variation 3248276 (VCV003248276.1).